The following is an entry in ClinVar:

NM_017617.5(NOTCH1):c.3121G>A (p.Gly1041Ser)

Gene: NOTCH1 (notch receptor 1; minus strand). Cytogenetic location: 9q34.3.
Variant type: single nucleotide variant.
Coding change: c.3121G>A on transcript NM_017617.5 (MANE Select); coding-DNA position 3121, G replaced by A.
Protein change: p.Gly1041Ser; replaces glycine 1041 with serine.
Molecular consequence: missense variant.
Genome position (GRCh38, 1-based): chr9:136,508,920, C>T on the plus strand (G>A on the coding strand, the complement: NOTCH1 is on the minus strand). VCF-style: chr9-136508920-C-T. GRCh37 (hg19) VCF-style: chr9-139403372-C-T.
Other names: short protein forms G1041S.
Identifiers: ClinVar variation 841545 (VCV000841545.16), dbSNP rs375260339, ClinGen allele CA201581139.

ClinVar aggregate classification (germline): Conflicting classifications of pathogenicity. Review status: criteria provided, conflicting classifications (1 of 4 stars). 7 submissions from 6 submitters: Uncertain significance (4); Likely benign (1). 2 of the submissions do not count toward it. Last evaluated 2025-04-23.

Conditions:
Adams-Oliver syndrome 5 (AOS5). Identifiers: Orphanet 974, MedGen C4014970, MONDO:0014459, OMIM 616028.
Aortic valve disease 1 (AOVD1). Identifiers: MedGen C3887892, MONDO:0024523, OMIM 109730.

Allele frequency attached by ClinVar (database versions not stated): gnomAD exomes 0.00002 and 0.00003; TOPMed 0.00002; gnomAD 0.00004; ESP Exome Variant Server 0.00008.
gnomAD v4.1: 38 of 1,549,038 alleles (0.0025%); highest among the groups gnomAD compares: Middle Eastern, 0.043%; 1 homozygote.

Submissions (7):

Labcorp Genetics (formerly Invitae), Labcorp
Classification: Likely benign for Adams-Oliver syndrome 5. Last evaluated: 2025-04-23. Review status: criteria provided, single submitter. Criteria: Invitae Variant Classification Sherloc (09022015). Collection method: clinical testing. Allele origin: germline.

Blueprint Genetics
Classification: Uncertain significance. Last evaluated: 2024-08-16. Review status: criteria provided, single submitter. Criteria: ACMG Guidelines, 2015. Collection method: clinical testing. Allele origin: germline.

Genome-Nilou Lab
Classification: Uncertain significance for Adams-Oliver syndrome 5. Last evaluated: 2022-03-15. Review status: criteria provided, single submitter. Criteria: ACMG Guidelines, 2015. Collection method: clinical testing. Allele origin: germline. Affected: no.

Genome-Nilou Lab
Classification: Uncertain significance for Aortic valve disease 1. Last evaluated: 2022-03-15. Review status: criteria provided, single submitter. Criteria: ACMG Guidelines, 2015. Collection method: clinical testing. Allele origin: germline. Affected: no.

GeneDx
Classification: Uncertain significance. Last evaluated: 2019-01-08. Review status: criteria provided, single submitter. Criteria: GeneDx Variant Classification Process June 2021. Collection method: clinical testing. Allele origin: germline. Affected: yes.
Comment: Has not been previously published as pathogenic or benign to our knowledge; Not observed at a significant frequency in large population cohorts (Lek et al., 2016); In silico analysis, which includes protein predictors and evolutionary conservation, supports a deleterious effect

Genome Diagnostics Laboratory, University Medical Center Utrecht
Classification: Uncertain significance. Review status: no assertion criteria provided. Collection method: clinical testing. Allele origin: germline. Affected: yes. Study: VKGL Data-share Consensus. Not counted in ClinVar's aggregate classification.

Joint Genome Diagnostic Labs from Nijmegen and Maastricht, Radboudumc and MUMC+
Classification: Uncertain significance. Review status: no assertion criteria provided. Collection method: clinical testing. Allele origin: germline. Affected: yes. Study: VKGL Data-share Consensus. Not counted in ClinVar's aggregate classification.